The following is an entry in ClinVar:

NM_002582.4(PARN):c.1378G>A (p.Asp460Asn)

Gene: PARN (poly(A)-specific ribonuclease; minus strand). Cytogenetic location: 16p13.12.
Variant type: single nucleotide variant.
Coding change: c.1378G>A on transcript NM_002582.4 (MANE Select); coding-DNA position 1378, G replaced by A.
Protein change: p.Asp460Asn; replaces aspartic acid 460 with asparagine.
Molecular consequence: missense variant.
Genome position (GRCh38, 1-based): chr16:14,554,092, C>T on the plus strand (G>A on the coding strand, the complement: PARN is on the minus strand). VCF-style: chr16-14554092-C-T. GRCh37 (hg19) VCF-style: chr16-14647949-C-T.
Other names: c.1195G>A, p.Asp399Asn (NM_001134477.3); c.1240G>A, p.Asp414Asn (NM_001242992.2); c.1378G>A (NM_002582.3); short protein forms D399N, D414N, D460N.
Identifiers: ClinVar variation 1403879 (VCV001403879.9), dbSNP rs747006604, ClinGen allele CA7912049.

ClinVar aggregate classification (germline): Uncertain significance. Review status: criteria provided, multiple submitters, no conflicts (2 of 4 stars). 2 submissions from 2 submitters: Uncertain significance (2). Last evaluated 2025-03-07.

Conditions:
Dyskeratosis congenita, autosomal recessive 6 (DKCB6). Identifiers: MedGen C4225356, MONDO:0014600, OMIM 616353.
Pulmonary fibrosis and/or bone marrow failure, Telomere-related, 4. Also called: PULMONARY FIBROSIS AND/OR BONE MARROW FAILURE SYNDROME, TELOMERE-RELATED, 4. Identifiers: Orphanet 2032, MedGen C4225347, MONDO:0014612, OMIM 616371.

gnomAD v4.1: 10 of 1,612,902 alleles (0.00062%); highest among the groups gnomAD compares: South Asian, 0.0088%; no homozygotes.

Submissions (2):

Labcorp Genetics (formerly Invitae), Labcorp
Classification: Uncertain significance for Dyskeratosis congenita, autosomal recessive 6; Pulmonary fibrosis and/or bone marrow failure, Telomere-related, 4. Last evaluated: 2025-03-07. Review status: criteria provided, single submitter. Criteria: Invitae Variant Classification Sherloc (09022015). Collection method: clinical testing. Allele origin: germline.
Comment: This sequence change replaces aspartic acid, which is acidic and polar, with asparagine, which is neutral and polar, at codon 460 of the PARN protein (p.Asp460Asn). This variant is present in population databases (rs747006604, gnomAD 0.01%). This variant has not been reported in the literature in individuals affected with PARN-related conditions. ClinVar contains an entry for this variant (Variation ID: 1403879). Invitae Evidence Modeling of protein sequence and biophysical properties (such as structural, functional, and spatial information, amino acid conservation, physicochemical variation, residue mobility, and thermodynamic stability) indicates that this missense variant is not expected to disrupt PARN protein function with a negative predictive value of 80%. In summary, the available evidence is currently insufficient to determine the role of this variant in disease. Therefore, it has been classified as a Variant of Uncertain Significance.

Fulgent Genetics
Classification: Uncertain significance for Dyskeratosis congenita, autosomal recessive 6; Pulmonary fibrosis and/or bone marrow failure, Telomere-related, 4. Last evaluated: 2023-12-28. Review status: criteria provided, single submitter. Criteria: ACMG Guidelines, 2015. Collection method: clinical testing. Allele origin: germline.